The following is an entry in ClinVar:

ClinVar aggregate classification (germline): Uncertain significance (1 of 4 stars; one submission).

Submission:

Labcorp Genetics (formerly Invitae), Labcorp
Classification: Uncertain significance. Last evaluated: 2020-10-27. Review status: criteria provided, single submitter. Criteria: Invitae Variant Classification Sherloc (09022015). Collection method: clinical testing. Allele origin: germline.
Comment: Algorithms developed to predict the effect of missense changes on protein structure and function are either unavailable or do not agree on the potential impact of this missense change (SIFT: "Tolerated"; PolyPhen-2: "Possibly Damaging"; Align-GVGD: "Class C0"). In summary, the available evidence is currently insufficient to determine the role of this variant in disease. Therefore, it has been classified as a Variant of Uncertain Significance. This variant has not been reported in the literature in individuals with ACBD5-related conditions. This variant is not present in population databases (ExAC no frequency). This sequence change replaces arginine with glycine at codon 486 of the ACBD5 protein (p.Arg486Gly). The arginine residue is weakly conserved and there is a moderate physicochemical difference between arginine and glycine.

NM_145698.5(ACBD5):c.1456A>G (p.Arg486Gly)

Gene: ACBD5 (acyl-CoA binding domain containing 5; minus strand). Cytogenetic location: 10p12.1.
Variant type: single nucleotide variant.
Coding change: c.1456A>G on transcript NM_145698.5 (MANE Select); coding-DNA position 1456, A replaced by G.
Protein change: p.Arg486Gly; replaces arginine 486 with glycine.
Molecular consequence: missense variant.
Genome position (GRCh38, 1-based): chr10:27,204,549, T>C on the plus strand (A>G on the coding strand, the complement: ACBD5 is on the minus strand). VCF-style: chr10-27204549-T-C. GRCh37 (hg19) VCF-style: chr10-27493478-T-C.
Other names: c.1351A>G, p.Arg451Gly (NM_001042473.4, NM_001352577.2, NM_001352578.2 and 1 more transcripts); c.1450A>G, p.Arg484Gly (NM_001271512.3); c.1129A>G, p.Arg377Gly (NM_001301251.2, NM_001301252.2, NM_001301253.2 and 2 more transcripts); c.925A>G, p.Arg309Gly (NM_001301254.2); c.1510A>G, p.Arg504Gly (NM_001352568.1); c.1489A>G, p.Arg497Gly (NM_001352569.1); c.1456A>G, p.Arg486Gly (NM_001352570.1); c.1483A>G, p.Arg495Gly (NM_001352571.1); and 10 more; short protein forms R309G, R377G, R383G, R388G, R416G, R418G, R427G, R429G.
Identifiers: ClinVar variation 1002515 (VCV001002515.8), dbSNP rs2060267260, ClinGen allele CA376372874.